The following is an entry in ClinVar:

NM_024753.5(TTC21B):c.996C>A (p.Tyr332Ter)

Gene: TTC21B (tetratricopeptide repeat domain 21B; minus strand). Cytogenetic location: 2q24.3.
Variant type: single nucleotide variant.
Coding change: c.996C>A on transcript NM_024753.5 (MANE Select); coding-DNA position 996, C replaced by A.
Protein change: p.Tyr332Ter; replaces tyrosine 332 with a stop codon.
Molecular consequence: nonsense.
Genome position (GRCh38, 1-based): chr2:165,930,263, G>T on the plus strand (C>A on the coding strand, the complement: TTC21B is on the minus strand). VCF-style: chr2-165930263-G-T. GRCh37 (hg19) VCF-style: chr2-166786773-G-T.
Other names: short protein forms Y332*.
Identifiers: ClinVar variation 2026752 (VCV002026752.4), dbSNP rs779714510, ClinGen allele CA349066795.

ClinVar aggregate classification (germline): Pathogenic (1 of 4 stars; one submission).

Conditions:
Jeune thoracic dystrophy. Also called: Jeune syndrome; Infantile thoracic dystrophy; Thoracic pelvic phalangeal dystrophy; Jeune's syndrome; Chondroectodermal dysplasia-like syndrome; Short-rib thoracic dysplasia. Identifiers: Orphanet 474, MedGen C0265275, MONDO:0018770.
Nephronophthisis. Also called: Juvenile Nephronophthisis. Identifiers: Orphanet 655, MedGen C0687120, MONDO:0019005, HP:0000090.

Submission:

Labcorp Genetics (formerly Invitae), Labcorp
Classification: Pathogenic for Jeune thoracic dystrophy; Nephronophthisis. Last evaluated: 2022-08-24. Review status: criteria provided, single submitter. Criteria: Invitae Variant Classification Sherloc (09022015). Collection method: clinical testing. Allele origin: germline.
Comment: For these reasons, this variant has been classified as Pathogenic. This variant has not been reported in the literature in individuals affected with TTC21B-related conditions. This variant is not present in population databases (gnomAD no frequency). This sequence change creates a premature translational stop signal (p.Tyr332*) in the TTC21B gene. It is expected to result in an absent or disrupted protein product. Loss-of-function variants in TTC21B are known to be pathogenic (PMID: 18327258, 21068128, 21258341, 23559409, 24876116, 25492405, 27491411, 29068549).

Literature cited by the submitters: PubMed 18327258; PubMed 21068128; PubMed 21258341; PubMed 23559409; PubMed 24876116; PubMed 25492405; PubMed 27491411; PubMed 29068549.